The following is an entry in ClinVar:

NM_015087.5(SPART):c.672A>G (p.Ile224Met)

Gene: SPART (spartin; minus strand). Cytogenetic location: 13q13.3.
Variant type: single nucleotide variant.
Coding change: c.672A>G on transcript NM_015087.5 (MANE Select); coding-DNA position 672, A replaced by G.
Protein change: p.Ile224Met; replaces isoleucine 224 with methionine.
Molecular consequence: missense variant.
Genome position (GRCh38, 1-based): chr13:36,335,159, T>C on the plus strand (A>G on the coding strand, the complement: SPART is on the minus strand). VCF-style: chr13-36335159-T-C. GRCh37 (hg19) VCF-style: chr13-36909296-T-C.
Other names: c.672A>G, p.Ile224Met (NM_001142294.2, NM_001142295.2, NM_001142296.2); short protein forms I224M.
Identifiers: ClinVar variation 849667 (VCV000849667.8), dbSNP rs765080389, ClinGen allele CA6949604.

ClinVar aggregate classification (germline): Uncertain significance. Review status: criteria provided, multiple submitters, no conflicts (2 of 4 stars). 3 submissions from 3 submitters: Uncertain significance (3). Last evaluated 2026-01-12.

Conditions:
Inborn genetic diseases. Identifiers: MedGen C0950123, MeSH D030342.

Allele frequency attached by ClinVar (database versions not stated): gnomAD exomes below 0.00001 and 0.00001; gnomAD 0.00001; TOPMed 0.00001; ExAC 0.00002.
gnomAD v4.1: 22 of 1,614,022 alleles (0.0014%); highest among the groups gnomAD compares: Non-Finnish European, 0.0018%; no homozygotes.

Submissions (3):

Labcorp Genetics (formerly Invitae), Labcorp
Classification: Uncertain significance. Last evaluated: 2026-01-12. Review status: criteria provided, single submitter. Criteria: Invitae Variant Classification Sherloc (09022015). Collection method: clinical testing. Allele origin: germline.
Comment: This sequence change replaces isoleucine, which is neutral and non-polar, with methionine, which is neutral and non-polar, at codon 224 of the SPART protein (p.Ile224Met). This variant is present in population databases (rs765080389, gnomAD 0.002%). This variant has not been reported in the literature in individuals affected with SPART-related conditions. ClinVar contains an entry for this variant (Variation ID: 849667). Invitae Evidence Modeling of protein sequence and biophysical properties (such as structural, functional, and spatial information, amino acid conservation, physicochemical variation, residue mobility, and thermodynamic stability) indicates that this missense variant is not expected to disrupt SPART protein function with a negative predictive value of 80%. In summary, the available evidence is currently insufficient to determine the role of this variant in disease. Therefore, it has been classified as a Variant of Uncertain Significance.

Ambry Genetics
Classification: Uncertain significance for Inborn genetic diseases. Last evaluated: 2024-11-26. Review status: criteria provided, single submitter. Criteria: Ambry Variant Classification Scheme 2023. Collection method: clinical testing. Allele origin: germline.

Breakthrough Genomics
Classification: Uncertain significance. Review status: criteria provided, single submitter. Criteria: ACMG Guidelines, 2015. Collection method: not provided. Allele origin: germline. Inheritance: Autosomal recessive inheritance. Affected: yes.